The following is an entry in ClinVar:

NM_018489.3(ASH1L):c.7098G>A (p.Trp2366Ter)

Gene: ASH1L (ASH1 like histone lysine methyltransferase; minus strand). Cytogenetic location: 1q22.
Variant type: single nucleotide variant.
Coding change: c.7098G>A on transcript NM_018489.3 (MANE Select); coding-DNA position 7098, G replaced by A.
Protein change: p.Trp2366Ter; replaces tryptophan 2366 with a stop codon.
Molecular consequence: nonsense.
Genome position (GRCh38, 1-based): chr1:155,354,588, C>T on the plus strand (G>A on the coding strand, the complement: ASH1L is on the minus strand). VCF-style: chr1-155354588-C-T. GRCh37 (hg19) VCF-style: chr1-155324379-C-T.
Other names: c.7113G>A, p.Trp2371Ter (NM_001366177.2); short protein forms W2366*, W2371*.
Identifiers: ClinVar variation 2442664 (VCV002442664.1), dbSNP rs2525771157, ClinGen allele CA342747839.

ClinVar aggregate classification (germline): Pathogenic (1 of 4 stars; one submission).

Submission:

GeneDx
Classification: Pathogenic. Last evaluated: 2022-09-02. Review status: criteria provided, single submitter. Criteria: GeneDx Variant Classification Process June 2021. Collection method: clinical testing. Allele origin: germline. Affected: yes.
Comment: Nonsense variant predicted to result in protein truncation or nonsense mediated decay in a gene for which loss of function is a known mechanism of disease; Not observed at significant frequency in large population cohorts (gnomAD); Has not been previously published as pathogenic or benign to our knowledge